The following is an entry in ClinVar:

NM_001367498.1(CNTNAP5):c.2234+10A>C

Gene: CNTNAP5 (contactin associated protein family member 5; plus strand). Cytogenetic location: 2q14.3.
Variant type: single nucleotide variant.
Coding change: c.2234+10A>C on transcript NM_001367498.1 (MANE Select); 10 bases into the intron after coding-DNA position 2234, A replaced by C.
Molecular consequence: intron variant.
Genome position (GRCh38, 1-based): chr2:124,747,395, A>C. VCF-style: chr2-124747395-A-C. GRCh37 (hg19) VCF-style: chr2-125504972-A-C.
Other names: c.2231+10A>C (NM_130773.4).
Identifiers: ClinVar variation 710313 (VCV000710313.6), dbSNP rs111385792, ClinGen allele CA1856133.

ClinVar aggregate classification (germline): Benign. Review status: criteria provided, single submitter (1 of 4 stars). 2 submissions from 2 submitters: Benign (1). 1 of the submissions does not count toward it. Last evaluated 2019-12-31.

Conditions:
CNTNAP5-related disorder. Also called: CNTNAP5-related condition.

Allele frequency attached by ClinVar (database versions not stated): 1000 Genomes Project 30x 0.00109; ESP Exome Variant Server 0.00136; 1000 Genomes Project 0.00140; TOPMed 0.00171; gnomAD 0.00217 and 0.00225; gnomAD exomes 0.00246 and 0.00301; ExAC 0.00268.
gnomAD v4.1: 4,665 of 1,613,566 alleles (0.29%); highest among the groups gnomAD compares: Non-Finnish European, 0.33%; 8 homozygotes.

Submissions (2):

Labcorp Genetics (formerly Invitae), Labcorp
Classification: Benign. Last evaluated: 2019-12-31. Review status: criteria provided, single submitter. Criteria: Invitae Variant Classification Sherloc (09022015). Collection method: clinical testing. Allele origin: germline.

PreventionGenetics, part of Exact Sciences
Classification: Benign for CNTNAP5-related condition. Last evaluated: 2019-07-30. Review status: no assertion criteria provided. Collection method: clinical testing. Allele origin: germline. Not counted in ClinVar's aggregate classification.
Comment: This variant is classified as benign based on ACMG/AMP sequence variant interpretation guidelines (Richards et al. 2015 PMID: 25741868, with internal and published modifications).